The following is an entry in ClinVar:

ClinVar aggregate classification (germline): Uncertain significance (1 of 4 stars; one submission).

Conditions:
Nemaline myopathy 2 (NEM2). Also called: Nemaline myopathy 2, autosomal recessive. Identifiers: MedGen C1850569, MONDO:0009725, OMIM 256030.

Submission:

Labcorp Genetics (formerly Invitae), Labcorp
Classification: Uncertain significance for Nemaline myopathy 2. Last evaluated: 2022-03-19. Review status: criteria provided, single submitter. Criteria: Invitae Variant Classification Sherloc (09022015). Collection method: clinical testing. Allele origin: germline.
Comment: In summary, the available evidence is currently insufficient to determine the role of this variant in disease. Therefore, it has been classified as a Variant of Uncertain Significance. Algorithms developed to predict the effect of missense changes on protein structure and function are either unavailable or do not agree on the potential impact of this missense change (SIFT: "Deleterious"; PolyPhen-2: "Not Available"; Align-GVGD: "Class C0"). This variant has not been reported in the literature in individuals affected with NEB-related conditions. This variant is not present in population databases (gnomAD no frequency). This sequence change replaces arginine, which is basic and polar, with serine, which is neutral and polar, at codon 8423 of the NEB protein (p.Arg8423Ser).

NM_001164508.2(NEB):c.25162C>A (p.Arg8388Ser)

Genes: NEB (nebulin; minus strand), RIF1 (replication timing regulatory factor 1; plus strand). Cytogenetic location: 2q23.3.
Variant type: single nucleotide variant.
Coding change: c.25162C>A on transcript NM_001164508.2 (MANE Select); coding-DNA position 25162, C replaced by A.
Protein change: p.Arg8388Ser; replaces arginine 8388 with serine.
Molecular consequence: missense variant.
Genome position (GRCh38, 1-based): chr2:151,490,507, G>T on the plus strand (C>A on the coding strand, the complement: NEB is on the minus strand). VCF-style: chr2-151490507-G-T. GRCh37 (hg19) VCF-style: chr2-152347021-G-T.
Other names: c.25162C>A, p.Arg8388Ser (NM_001164507.2); c.25267C>A, p.Arg8423Ser (NM_001271208.2); c.19594C>A, p.Arg6532Ser (NM_004543.5); short protein forms R6532S, R8423S, R8388S.
Identifiers: ClinVar variation 1990578 (VCV001990578.4), dbSNP rs371600800, ClinGen allele CA348771178.